The following is an entry in ClinVar:

ClinVar aggregate classification (germline): Likely benign. Review status: criteria provided, multiple submitters, no conflicts (2 of 4 stars). 2 submissions from 2 submitters: Likely benign (2). Last evaluated 2026-08-01.

Submissions (2):

CeGaT Center for Human Genetics Tuebingen
Classification: Likely benign. Last evaluated: 2026-08-01. Review status: criteria provided, single submitter. Criteria: CeGaT Center For Human Genetics Tuebingen Variant Classification Criteria Version 2. Collection method: clinical testing. Allele origin: germline. Affected: yes. Observed: 1 variant allele.
Comment: SRCAP: BP4, BP7

Labcorp Genetics (formerly Invitae), Labcorp
Classification: Likely benign. Last evaluated: 2025-11-03. Review status: criteria provided, single submitter. Criteria: Invitae Variant Classification Sherloc (09022015). Collection method: clinical testing. Allele origin: germline.

NM_006662.3(SRCAP):c.4830G>T (p.Pro1610=)

Gene: SRCAP (Snf2 related CREBBP activator protein; plus strand). Cytogenetic location: 16p11.2.
Variant type: single nucleotide variant.
Coding change: c.4830G>T on transcript NM_006662.3 (MANE Select); coding-DNA position 4830, G replaced by T.
Protein change: p.Pro1610=; no amino-acid change (proline 1610 retained).
Molecular consequence: synonymous variant.
Genome position (GRCh38, 1-based): chr16:30,724,254, G>T. VCF-style: chr16-30724254-G-T. GRCh37 (hg19) VCF-style: chr16-30735575-G-T.
Identifiers: ClinVar variation 4707060 (VCV004707060.2).